The following is an entry in ClinVar:

NC_000007.13:g.(?_120428646)_(120496817_?)dup

Gene: TSPAN12 (tetraspanin 12; minus strand). Cytogenetic location: 7q31.31.
Variant type: Duplication.
Identifiers: ClinVar variation 1411727 (VCV001411727.5).

ClinVar aggregate classification (germline): Uncertain significance (1 of 4 stars; one submission).

Submission:

Labcorp Genetics (formerly Invitae), Labcorp
Classification: Uncertain significance. Last evaluated: 2023-04-05. Review status: criteria provided, single submitter. Criteria: Invitae Variant Classification Sherloc (09022015). Collection method: clinical testing. Allele origin: germline.
Comment: In summary, the available evidence is currently insufficient to determine the role of this variant in disease. Therefore, it has been classified as a Variant of Uncertain Significance. This variant has not been reported in the literature in individuals affected with TSPAN12-related conditions. A copy number gain of the genomic region encompassing the full coding sequence of the TSPAN12 gene has been identified. The boundaries of this event are unknown as they extend beyond the assayed region for this gene and therefore may encompass additional genes. As the precise location of this event is unknown, it may be in tandem or it may be located elsewhere in the genome.